The following is an entry in ClinVar:

NM_006618.5(KDM5B):c.685C>T (p.Arg229Ter)

Gene: KDM5B (lysine demethylase 5B; minus strand). Cytogenetic location: 1q32.1.
Variant type: single nucleotide variant.
Coding change: c.685C>T on transcript NM_006618.5 (MANE Select); coding-DNA position 685, C replaced by T.
Protein change: p.Arg229Ter; replaces arginine 229 with a stop codon.
Molecular consequence: nonsense. On other transcripts: intron variant (1).
Genome position (GRCh38, 1-based): chr1:202,766,952, G>A on the plus strand (C>T on the coding strand, the complement: KDM5B is on the minus strand). VCF-style: chr1-202766952-G-A. GRCh37 (hg19) VCF-style: chr1-202736080-G-A.
Other names: c.685C>T, p.Arg229Ter (NM_001314042.2); c.670C>T, p.Arg224Ter (NM_001399817.1); c.577-2807C>T (NM_001347591.2); short protein forms R224*, R229*.
Identifiers: ClinVar variation 3379373 (VCV003379373.1).

ClinVar aggregate classification (germline): Pathogenic (1 of 4 stars; one submission).

gnomAD v4.1: 10 of 1,580,946 alleles (0.00063%); highest among the groups gnomAD compares: Non-Finnish European, 0.00085%; no homozygotes.

Submission:

Institute of Human Genetics, FAU Erlangen, Friedrich-Alexander-Universität Erlangen-Nürnberg
Classification: Pathogenic. Last evaluated: 2024-11-22. Review status: criteria provided, single submitter. Criteria: Hauer et al. (Genet Med. 2018). Collection method: clinical testing. Allele origin: germline. Inheritance: Autosomal dominant inheritance. Affected: yes. Observed: 1 variant allele.
Comment: This variant has been identified by standard clinical testing. Selected ACMG criteria: Likely pathogenic (II):PP3;PM2;PS2